The following is an entry in ClinVar:

ClinVar aggregate classification (germline): Likely benign. Review status: criteria provided, single submitter (1 of 4 stars). 2 submissions from 2 submitters: Likely benign (1). 1 of the submissions does not count toward it. Last evaluated 2023-10-03.

Conditions:
6-Pyruvoyl-tetrahydrobiopterin synthase deficiency. Also called: Hyperphenylalanemia, BH4-deficient, A; Hyperphenylalaninemia due to 6-pyruvoyl-tetrahydropterin synthase deficiency; 6-Pyruvoyltetrahydropterin Synthase Deficiency; BH4-deficient hyperphenylalaninemia A; PTS-Related Tetrahydrobiopterin Deficiency; PTS DEFICIENCY. Identifiers: Orphanet 13, Orphanet 238583, MedGen C0878676, MONDO:0009863, OMIM 261640.
PTS-related disorder. Also called: PTS-related condition.

Allele frequency attached by ClinVar (database versions not stated): gnomAD exomes below 0.00001; TOPMed below 0.00001; ExAC 0.00001.
gnomAD v4.1: 2 of 1,612,288 alleles (0.00012%); no homozygotes.

Submissions (2):

Labcorp Genetics (formerly Invitae), Labcorp
Classification: Likely benign for 6-Pyruvoyl-tetrahydrobiopterin synthase deficiency. Last evaluated: 2023-10-03. Review status: criteria provided, single submitter. Criteria: Invitae Variant Classification Sherloc (09022015). Collection method: clinical testing. Allele origin: germline.

PreventionGenetics, part of Exact Sciences
Classification: Likely benign for PTS-related condition. Last evaluated: 2019-05-20. Review status: no assertion criteria provided. Collection method: clinical testing. Allele origin: germline. Not counted in ClinVar's aggregate classification.
Comment: This variant is classified as likely benign based on ACMG/AMP sequence variant interpretation guidelines (Richards et al. 2015 PMID: 25741868, with internal and published modifications).

NM_000317.3(PTS):c.244-8G>T

Gene: PTS (6-pyruvoyltetrahydropterin synthase; plus strand). Cytogenetic location: 11q23.1.
Variant type: single nucleotide variant.
Coding change: c.244-8G>T on transcript NM_000317.3 (MANE Select); 8 bases into the intron before coding-DNA position 244, G replaced by T.
Molecular consequence: intron variant.
Genome position (GRCh38, 1-based): chr11:112,233,155, G>T. VCF-style: chr11-112233155-G-T. GRCh37 (hg19) VCF-style: chr11-112103878-G-T.
Other names: c.244-8G>T (NM_000317.2).
Identifiers: ClinVar variation 1560155 (VCV001560155.10), dbSNP rs773715386, ClinGen allele CA6278552.